The following is an entry in ClinVar:

ClinVar aggregate classification (germline): Pathogenic (1 of 4 stars; one submission).

Submission:

Labcorp Genetics (formerly Invitae), Labcorp
Classification: Pathogenic. Last evaluated: 2025-11-13. Review status: criteria provided, single submitter. Criteria: Invitae Variant Classification Sherloc (09022015). Collection method: clinical testing. Allele origin: germline.
Comment: This sequence change creates a premature translational stop signal (p.Tyr347*) in the TCF12 gene. It is expected to result in an absent or disrupted protein product. Loss-of-function variants in TCF12 are known to be pathogenic (PMID: 23354436, 32620954). This variant is not present in population databases (gnomAD no frequency). This variant has not been reported in the literature in individuals affected with TCF12-related conditions. For these reasons, this variant has been classified as Pathogenic.

Literature cited by the submitters: PubMed 23354436; PubMed 32620954.

NM_207037.2(TCF12):c.1041T>G (p.Tyr347Ter)

Gene: TCF12 (transcription factor 12; plus strand). Cytogenetic location: 15q21.3.
Variant type: single nucleotide variant.
Coding change: c.1041T>G on transcript NM_207037.2 (MANE Select); coding-DNA position 1041, T replaced by G.
Protein change: p.Tyr347Ter; replaces tyrosine 347 with a stop codon.
Molecular consequence: nonsense.
Genome position (GRCh38, 1-based): chr15:57,243,477, T>G. VCF-style: chr15-57243477-T-G. GRCh37 (hg19) VCF-style: chr15-57535675-T-G.
Other names: c.531T>G, p.Tyr177Ter (NM_001306219.3, NM_207040.2); c.333T>G, p.Tyr111Ter (NM_001306220.3); c.1041T>G, p.Tyr347Ter (NM_001322151.2, NM_001322152.2, NM_001322157.3 and 7 more transcripts); c.384T>G, p.Tyr128Ter (NM_001322154.2); c.867T>G, p.Tyr289Ter (NM_001322156.2, NM_001322158.2); c.1077T>G, p.Tyr359Ter (NM_001322164.2); short protein forms Y347*, Y359*, Y111*, Y177*, Y289*, Y128*.
Identifiers: ClinVar variation 4731210 (VCV004731210.1).